The following is an entry in ClinVar:

NC_000009.12:g.35658041G>T

Gene: RMRP (RNA component of mitochondrial RNA processing endoribonuclease; minus strand). Cytogenetic location: 9p13.3.
Variant type: single nucleotide variant.
Genome position: GRCh38 VCF-style: chr9-35658041-G-T. GRCh37 (hg19) VCF-style: chr9-35658038-G-T.
Identifiers: ClinVar variation 1045266 (VCV001045266.3), dbSNP rs188660894, ClinGen allele CA587570257.

ClinVar aggregate classification (germline): Uncertain significance. Review status: criteria provided, single submitter (1 of 4 stars). 2 submissions from 2 submitters: Uncertain significance (1). 1 of the submissions does not count toward it. Last evaluated 2022-10-24.

Conditions:
Metaphyseal chondrodysplasia, McKusick type (CHH). Also called: Cartilage-Hair Hypoplasia (CHH); Cartilage-hair hypoplasia. Identifiers: Orphanet 175, MedGen C0220748, MONDO:0009595, OMIM 250250.
Anauxetic dysplasia. Identifiers: Orphanet 93347, MedGen C1846796, MONDO:0011773.

Submissions (2):

Labcorp Genetics (formerly Invitae), Labcorp
Classification: Uncertain significance for Anauxetic dysplasia. Last evaluated: 2022-10-24. Review status: criteria provided, single submitter. Criteria: Invitae Variant Classification Sherloc (09022015). Collection method: clinical testing. Allele origin: germline.
Comment: This variant occurs in the RMRP gene, which encodes an RNA molecule that does not result in a protein product. This variant is present in population databases (no rsID available, gnomAD 0.03%). This variant has not been reported in the literature in individuals affected with RMRP-related conditions. ClinVar contains an entry for this variant (Variation ID: 1045266). Experimental studies and prediction algorithms are not available or were not evaluated, and the functional significance of this variant is currently unknown. In summary, the available evidence is currently insufficient to determine the role of this variant in disease. Therefore, it has been classified as a Variant of Uncertain Significance.

Natera, Inc.
Classification: Uncertain significance for Cartilage-hair hypoplasia. Last evaluated: 2020-07-08. Review status: no assertion criteria provided. Collection method: clinical testing. Allele origin: germline. Not counted in ClinVar's aggregate classification.